The following is an entry in ClinVar:

NM_005431.2(XRCC2):c.-4G>A

Gene: XRCC2 (X-ray repair cross complementing 2; minus strand). Cytogenetic location: 7q36.1.
Variant type: single nucleotide variant.
Coding change: c.-4G>A on transcript NM_005431.2 (MANE Select); 4 bases upstream of the start codon, G replaced by A.
Molecular consequence: 5 prime UTR variant.
Genome position (GRCh38, 1-based): chr7:152,676,083, C>T on the plus strand (G>A on the coding strand, the complement: XRCC2 is on the minus strand). VCF-style: chr7-152676083-C-T. GRCh37 (hg19) VCF-style: chr7-152373168-C-T.
Identifiers: ClinVar variation 1744705 (VCV001744705.2), dbSNP rs2117014485, ClinGen allele CA2580077735.

ClinVar aggregate classification (germline): Uncertain significance (1 of 4 stars; one submission).

Conditions:
Hereditary cancer-predisposing syndrome. Also called: Hereditary Cancer Syndrome; Neoplastic Syndromes, Hereditary; Tumor predisposition; Hereditary neoplastic syndrome. Identifiers: Orphanet 140162, MedGen C0027672, MeSH D009386, MONDO:0015356.

Submission:

Ambry Genetics
Classification: Uncertain significance for Hereditary cancer-predisposing syndrome. Last evaluated: 2021-06-08. Review status: criteria provided, single submitter. Criteria: Ambry Variant Classification Scheme 2023. Collection method: clinical testing. Allele origin: germline.
Comment: The c.-4G>A variant is located in the 5' untranslated region (5&rsquo; UTR) of the XRCC2 gene. This variant results from a G to A substitution 4 bases upstream from the first translated codon. This nucleotide position is highly conserved in available vertebrate species. Since supporting evidence is limited at this time, the clinical significance of this alteration remains unclear.